The following is an entry in ClinVar:

NM_020166.5(MCCC1):c.1630del (p.Arg544fs)

Gene: MCCC1 (methylcrotonyl-CoA carboxylase subunit 1; minus strand). Cytogenetic location: 3q27.1.
Variant type: Deletion.
Coding change: c.1630del on transcript NM_020166.5 (MANE Select); coding-DNA position 1630, one base deleted (A; older notation c.1630delA).
Protein change: p.Arg544fs; shifts the reading frame from arginine 544.
Molecular consequence: frameshift variant. On other transcripts: non-coding transcript variant (2).
Genome position (GRCh38, 1-based): chr3:183,034,042, T deleted on the plus strand (A on the coding strand, the reverse complement: MCCC1 is on the minus strand); the first of 2 consecutive T bases (chr3:183,034,042-183,034,043); deleting either gives the same sequence. VCF-style (leftmost placement, unchanged base first): chr3-183034041-CT-C. GRCh37 (hg19) VCF-style: chr3-182751829-CT-C.
Other names: c.1279del, p.Arg427fs (NM_001293273.2); c.1303del, p.Arg435fs (NM_001363880.1); short protein forms R427fs, R435fs, R544fs.
Identifiers: ClinVar variation 2676452 (VCV002676452.4), dbSNP rs1243671468, ClinGen allele CA903585248.

ClinVar aggregate classification (germline): Pathogenic/Likely pathogenic. Review status: criteria provided, multiple submitters, no conflicts (2 of 4 stars). 2 submissions from 2 submitters: Pathogenic (1); Likely pathogenic (1). Last evaluated 2025-06-27.

Conditions:
3-methylcrotonyl-CoA carboxylase 1 deficiency (MCC1D). Also called: MCCD TYPE 1; METHYLCROTONYLGLYCINURIA TYPE I; MCC 1 deficiency; 3 Alpha methylcrotonylglycinuria 1. Identifiers: Orphanet 6, MedGen CN028786, MONDO:0008861, OMIM 210200.

Submissions (2):

Labcorp Genetics (formerly Invitae), Labcorp
Classification: Pathogenic for 3-methylcrotonyl-CoA carboxylase 1 deficiency. Last evaluated: 2025-06-27. Review status: criteria provided, single submitter. Criteria: Invitae Variant Classification Sherloc (09022015). Collection method: clinical testing. Allele origin: germline.
Comment: This sequence change creates a premature translational stop signal (p.Arg544Aspfs*2) in the MCCC1 gene. It is expected to result in an absent or disrupted protein product. Loss-of-function variants in MCCC1 are known to be pathogenic (PMID: 11181649, 15359379, 22642865). This variant is not present in population databases (gnomAD no frequency). This premature translational stop signal has been observed in individual(s) with clinical features of 3-methylcrotonyl-CoA carboxylase deficiency (PMID: 31901042). ClinVar contains an entry for this variant (Variation ID: 2676452). For these reasons, this variant has been classified as Pathogenic.

Baylor Genetics
Classification: Likely pathogenic for 3-methylcrotonyl-CoA carboxylase 1 deficiency. Last evaluated: 2023-08-10. Review status: criteria provided, single submitter. Criteria: ACMG Guidelines, 2015. Collection method: clinical testing. Allele origin: unknown.

Literature cited by the submitters: PubMed 11181649 (cited by Labcorp Genetics (formerly Invitae), Labcorp); PubMed 15359379 (cited by Labcorp Genetics (formerly Invitae), Labcorp); PubMed 22642865 (cited by Labcorp Genetics (formerly Invitae), Labcorp); PubMed 31901042 (cited by Labcorp Genetics (formerly Invitae), Labcorp).